The following is an entry in ClinVar:

NM_032603.5(LOXL3):c.39dup (p.Leu14fs)

Genes: DOK1 (docking protein 1; plus strand), LOXL3 (lysyl oxidase like 3; minus strand). Cytogenetic location: 2p13.1.
Variant type: Duplication.
Coding change: c.39dup on transcript NM_032603.5 (MANE Select); coding-DNA position 39, one base duplicated (G; older notation c.39dupG).
Protein change: p.Leu14fs; shifts the reading frame from leucine 14.
Molecular consequence: frameshift variant. On other transcripts: intron variant (1).
Genome position (GRCh38, 1-based): chr2:74,552,596, C duplicated on the plus strand (G on the coding strand, the reverse complement: LOXL3 is on the minus strand); the first of 5 consecutive C bases (chr2:74,552,596-74,552,600); duplicating any one gives the same sequence. VCF-style (leftmost placement, unchanged base first): chr2-74552595-G-GC. GRCh37 (hg19) VCF-style: chr2-74779722-G-GC.
Other names: c.39dup, p.Leu14fs (NM_001289164.3); c.-357-2554dup (NM_001197260.2); short protein forms L14fs.
Identifiers: ClinVar variation 1343101 (VCV001343101.6), dbSNP rs35904632, ClinGen allele CA1729277.
Genomic context (GRCh38, chr2:74,552,595, plus strand): 5'-CAGGGCCCGTGGAAGGGGACGGAGACCCCAAGCACGAACTGCACAGCAGGCACAGCAGCA[G>GC]CCCCCAGGGGCTCCACTGCCAGACACTGACAGGTCGCATGGCAGGGAAGGCCTGGGTGCC-3'

ClinVar aggregate classification (germline): Uncertain significance. Review status: criteria provided, single submitter (1 of 4 stars). 2 submissions from 2 submitters: Uncertain significance (1). 1 of the submissions does not count toward it. Last evaluated 2023-07-14.

Conditions:
Myopia 28, autosomal recessive (MYP28). Identifiers: MedGen C5676935, MONDO:0030697, OMIM 619781.

Submissions (2):

Labcorp Genetics (formerly Invitae), Labcorp
Classification: Uncertain significance. Last evaluated: 2023-07-14. Review status: criteria provided, single submitter. Criteria: Invitae Variant Classification Sherloc (09022015). Collection method: clinical testing. Allele origin: germline.
Comment: This sequence change creates a premature translational stop signal (p.Leu14Alafs*21) in the LOXL3 gene. It is expected to result in an absent or disrupted protein product. However, the current clinical and genetic evidence is not sufficient to establish whether loss-of-function variants in LOXL3 cause disease. This variant is present in population databases (rs748974376, gnomAD 0.07%). This premature translational stop signal has been observed in individual(s) with clinical features of Stickler syndrome and/or early onset high myopia (PMID: 26957899, 36917121; Invitae). ClinVar contains an entry for this variant (Variation ID: 1343101). In summary, the available evidence is currently insufficient to determine the role of this variant in disease. Therefore, it has been classified as a Variant of Uncertain Significance.

OMIM
Classification: Pathogenic for MYOPIA 28, AUTOSOMAL RECESSIVE. Last evaluated: 2022-03-07. Review status: no assertion criteria provided. Collection method: literature only. Allele origin: germline. Not counted in ClinVar's aggregate classification.

Literature cited by the submitters: PubMed 26957899 (cited by Labcorp Genetics (formerly Invitae), Labcorp and OMIM); PubMed 36917121 (cited by Labcorp Genetics (formerly Invitae), Labcorp).